The following is an entry in ClinVar:

ClinVar aggregate classification (germline): Likely benign. Review status: criteria provided, single submitter (1 of 4 stars). 2 submissions from 2 submitters: Likely benign (1). 1 of the submissions does not count toward it. Last evaluated 2024-07-28.

Conditions:
BRCA2-related disorder. Also called: BRCA2-related condition; BRCA2-related disorders. Identifiers: MedGen CN239275.
Hereditary cancer-predisposing syndrome. Also called: Tumor predisposition; Hereditary Cancer Syndrome; Hereditary neoplastic syndrome; Neoplastic Syndromes, Hereditary. Identifiers: Orphanet 140162, MedGen C0027672, MeSH D009386, MONDO:0015356.

Submissions (2):

Ambry Genetics
Classification: Likely benign for Hereditary cancer-predisposing syndrome. Last evaluated: 2024-07-28. Review status: criteria provided, single submitter. Criteria: Ambry Variant Classification Scheme 2023. Collection method: clinical testing. Allele origin: germline.

PreventionGenetics, part of Exact Sciences
Classification: Likely benign for BRCA2-related condition. Last evaluated: 2024-03-07. Review status: no assertion criteria provided. Collection method: clinical testing. Allele origin: germline. Not counted in ClinVar's aggregate classification.
Comment: This variant is classified as likely benign based on ACMG/AMP sequence variant interpretation guidelines (Richards et al. 2015 PMID: 25741868, with internal and published modifications).

NM_000059.4(BRCA2):c.8049A>G (p.Ala2683=)

Gene: BRCA2 (BRCA2 DNA repair associated; plus strand). Cytogenetic location: 13q13.1.
Variant type: single nucleotide variant.
Coding change: c.8049A>G on transcript NM_000059.4 (MANE Select); coding-DNA position 8049, A replaced by G.
Protein change: p.Ala2683=; no amino-acid change (alanine 2683 retained).
Molecular consequence: synonymous variant. On other transcripts: non-coding transcript variant (1).
Genome position (GRCh38, 1-based): chr13:32,363,251, A>G. VCF-style: chr13-32363251-A-G. GRCh37 (hg19) VCF-style: chr13-32937388-A-G.
Other names: c.7953A>G, p.Ala2651= (NM_001406719.1); c.8049A>G, p.Ala2683= (NM_001406720.1, NM_001432077.1); c.3117A>G, p.Ala1039= (NM_001406721.1); c.1632A>G, p.Ala544= (NM_001406722.1).
Identifiers: ClinVar variation 3348398 (VCV003348398.2).